The following is an entry in ClinVar:

ClinVar aggregate classification (germline): Likely benign. Review status: criteria provided, multiple submitters, no conflicts (2 of 4 stars). 2 submissions from 2 submitters: Likely benign (2). Last evaluated 2025-11-24.

Allele frequency attached by ClinVar (database versions not stated): TOPMed 0.00003; gnomAD exomes 0.00004 and 0.00005; ExAC 0.00005; gnomAD 0.00006; 1000 Genomes Project 30x 0.00016; 1000 Genomes Project 0.00020.
gnomAD v4.1: 87 of 1,613,878 alleles (0.0054%); highest among the groups gnomAD compares: Non-Finnish European, 0.0071%; no homozygotes.

Submissions (2):

Labcorp Genetics (formerly Invitae), Labcorp
Classification: Likely benign. Last evaluated: 2025-11-24. Review status: criteria provided, single submitter. Criteria: Invitae Variant Classification Sherloc (09022015). Collection method: clinical testing. Allele origin: germline.

CeGaT Center for Human Genetics Tuebingen
Classification: Likely benign. Last evaluated: 2023-07-01. Review status: criteria provided, single submitter. Criteria: CeGaT Center For Human Genetics Tuebingen Variant Classification Criteria Version 2. Collection method: clinical testing. Allele origin: germline. Affected: yes. Observed: 1 variant allele.
Comment: CEP152: BP4, BP7

NM_001194998.2(CEP152):c.2154G>A (p.Glu718=)

Gene: CEP152 (centrosomal protein 152; minus strand). Cytogenetic location: 15q21.1.
Variant type: single nucleotide variant.
Coding change: c.2154G>A on transcript NM_001194998.2 (MANE Select); coding-DNA position 2154, G replaced by A.
Protein change: p.Glu718=; no amino-acid change (glutamic acid 718 retained).
Molecular consequence: synonymous variant.
Genome position (GRCh38, 1-based): chr15:48,767,186, C>T on the plus strand (G>A on the coding strand, the complement: CEP152 is on the minus strand). VCF-style: chr15-48767186-C-T. GRCh37 (hg19) VCF-style: chr15-49059383-C-T.
Other names: c.2154G>A, p.Glu718= (NM_014985.4).
Identifiers: ClinVar variation 1542581 (VCV001542581.31), dbSNP rs575535578, ClinGen allele CA7548644.